The following is an entry in ClinVar:

ClinVar aggregate classification (germline): Uncertain significance. Review status: criteria provided, multiple submitters, no conflicts (2 of 4 stars). 2 submissions from 2 submitters: Uncertain significance (2). Last evaluated 2026-02-25.

Conditions:
Inborn genetic diseases. Identifiers: MedGen C0950123, MeSH D030342.
PKD1-related disorder. Also called: PKD1-related condition.

gnomAD v4.1: 131 of 1,609,214 alleles (0.0081%); highest among the groups gnomAD compares: Non-Finnish European, 0.011%; no homozygotes.

Submissions (2):

PreventionGenetics, part of Exact Sciences
Classification: Uncertain significance for PKD1-related condition. Last evaluated: 2026-02-25. Review status: criteria provided, single submitter. Criteria: ACMG Guidelines, 2015. Collection method: clinical testing. Allele origin: germline.
Comment: The PKD1 c.6817G>A variant is predicted to result in the amino acid substitution p.Asp2273Asn. To our knowledge, this variant has not been reported in the literature. This variant is reported in 0.0039% of alleles in individuals of European (Non-Finnish) descent in gnomAD. At this time, the clinical significance of this variant is uncertain due to the absence of conclusive functional and genetic evidence.

Ambry Genetics
Classification: Uncertain significance for Inborn genetic diseases. Last evaluated: 2025-08-14. Review status: criteria provided, single submitter. Criteria: Ambry Variant Classification Scheme 2023. Collection method: clinical testing. Allele origin: germline.

NM_001009944.3(PKD1):c.6817G>A (p.Asp2273Asn)

Gene: PKD1 (polycystin 1, transient receptor potential channel interacting; minus strand). Cytogenetic location: 16p13.3.
Variant type: single nucleotide variant.
Coding change: c.6817G>A on transcript NM_001009944.3 (MANE Select); coding-DNA position 6817, G replaced by A.
Protein change: p.Asp2273Asn; replaces aspartic acid 2273 with asparagine.
Molecular consequence: missense variant.
Genome position (GRCh38, 1-based): chr16:2,108,350, C>T on the plus strand (G>A on the coding strand, the complement: PKD1 is on the minus strand). VCF-style: chr16-2108350-C-T. GRCh37 (hg19) VCF-style: chr16-2158351-C-T.
Other names: c.6817G>A, p.Asp2273Asn (NM_000296.4); short protein forms D2273N.
Identifiers: ClinVar variation 4137476 (VCV004137476.2).